The following is an entry in ClinVar:

NM_002691.4(POLD1):c.2377G>C (p.Glu793Gln)

Gene: POLD1 (DNA polymerase delta 1, catalytic subunit; plus strand). Cytogenetic location: 19q13.33.
Variant type: single nucleotide variant.
Coding change: c.2377G>C on transcript NM_002691.4 (MANE Select); coding-DNA position 2377, G replaced by C.
Protein change: p.Glu793Gln; replaces glutamic acid 793 with glutamine.
Molecular consequence: missense variant. On other transcripts: non-coding transcript variant (1).
Genome position (GRCh38, 1-based): chr19:50,413,868, G>C. VCF-style: chr19-50413868-G-C. GRCh37 (hg19) VCF-style: chr19-50917125-G-C.
Other names: c.2377G>C, p.Glu793Gln (NM_001256849.1); c.2455G>C, p.Glu819Gln (NM_001308632.1); short protein forms E793Q, E819Q.
Identifiers: ClinVar variation 469254 (VCV000469254.10), dbSNP rs1555792697, ClinGen allele CA406984386.

ClinVar aggregate classification (germline): Uncertain significance (1 of 4 stars; one submission).

Conditions:
POLD1-related polyposis and colorectal cancer syndrome (CRCS10). Also called: Colorectal cancer 10; COLORECTAL CANCER, SUSCEPTIBILITY TO, ON CHROMOSOME 19q; Colorectal cancer, susceptibility to, 10. Identifiers: Orphanet 220460, MedGen C2675481, MONDO:0012953, OMIM 612591.

Submission:

Labcorp Genetics (formerly Invitae), Labcorp
Classification: Uncertain significance for POLD1-related polyposis and colorectal cancer syndrome. Last evaluated: 2019-11-10. Review status: criteria provided, single submitter. Criteria: Invitae Variant Classification Sherloc (09022015). Collection method: clinical testing. Allele origin: germline.
Comment: In summary, this variant has uncertain impact on POLD1 function. The available evidence is currently insufficient to determine its role in disease. Therefore, it has been classified as a Variant of Uncertain Significance. Algorithms developed to predict the effect of missense changes on protein structure and function do not agree on the potential impact of this missense change (SIFT: "Deleterious"; PolyPhen-2: "Probably Damaging"; Align-GVGD: "Class C0"). This variant has not been reported in the literature in individuals with a POLD1-related disease. This variant is not present in population databases (ExAC no frequency). This sequence change replaces glutamic acid with glutamine at codon 793 of the POLD1 protein (p.Glu793Gln). The glutamic acid residue is highly conserved and there is a small physicochemical difference between glutamic acid and glutamine.